The following is an entry in ClinVar:

ClinVar aggregate classification (germline): Uncertain significance (1 of 4 stars; one submission).

gnomAD v4.1: 10 of 1,614,202 alleles (0.00062%); highest among the groups gnomAD compares: Non-Finnish European, 0.00085%; no homozygotes.

Submission:

Labcorp Genetics (formerly Invitae), Labcorp
Classification: Uncertain significance. Last evaluated: 2022-02-04. Review status: criteria provided, single submitter. Criteria: Invitae Variant Classification Sherloc (09022015). Collection method: clinical testing. Allele origin: germline.
Comment: This variant is not present in population databases (gnomAD no frequency). This sequence change replaces isoleucine, which is neutral and non-polar, with leucine, which is neutral and non-polar, at codon 146 of the CIB1 protein (p.Ile146Leu). This variant has not been reported in the literature in individuals affected with CIB1-related conditions. In summary, the available evidence is currently insufficient to determine the role of this variant in disease. Therefore, it has been classified as a Variant of Uncertain Significance. Algorithms developed to predict the effect of missense changes on protein structure and function are either unavailable or do not agree on the potential impact of this missense change (SIFT: "Tolerated"; PolyPhen-2: "Not Available"; Align-GVGD: "Class C0").

NM_006384.4(CIB1):c.316A>C (p.Ile106Leu)

Gene: CIB1 (calcium and integrin binding 1; minus strand). Cytogenetic location: 15q26.1.
Variant type: single nucleotide variant.
Coding change: c.316A>C on transcript NM_006384.4 (MANE Select); coding-DNA position 316, A replaced by C.
Protein change: p.Ile106Leu; replaces isoleucine 106 with leucine.
Molecular consequence: missense variant. On other transcripts: non-coding transcript variant (2).
Genome position (GRCh38, 1-based): chr15:90,231,387, T>G on the plus strand (A>C on the coding strand, the complement: CIB1 is on the minus strand). VCF-style: chr15-90231387-T-G. GRCh37 (hg19) VCF-style: chr15-90774619-T-G.
Other names: c.436A>C, p.Ile146Leu (NM_001277764.2); short protein forms I146L, I106L.
Identifiers: ClinVar variation 2092716 (VCV002092716.3), dbSNP rs762909077, ClinGen allele CA393814116.